The following is an entry in ClinVar:

NM_002382.5(MAX):c.172-2A>G

Gene: MAX (MYC associated transcriptional regulator X; minus strand). Cytogenetic location: 14q23.3.
Variant type: single nucleotide variant.
Coding change: c.172-2A>G on transcript NM_002382.5 (MANE Select); the canonical splice acceptor site of the intron before coding-DNA position 172, A replaced by G.
Molecular consequence: splice acceptor variant. On other transcripts: intron variant (2).
Genome position (GRCh38, 1-based): chr14:65,078,038, T>C on the plus strand (A>G on the coding strand, the complement: MAX is on the minus strand). VCF-style: chr14-65078038-T-C. GRCh37 (hg19) VCF-style: chr14-65544756-T-C.
Other names: NC_000014.8:g.65544756T>C; c.144+15670A>G (NM_001271069.2); c.171+15670A>G (NM_197957.4); c.-196-2A>G (NM_001407112.1, NM_001407111.1); c.-103-2A>G (NM_001407106.1, NM_001407107.1, NM_001320415.2 and 1 more transcripts); c.145-2A>G (NM_001407095.1, NM_001407110.1, NM_001407102.1 and 6 more transcripts); c.172-2A>G (NM_001407094.1, NM_001407104.1, NM_001407103.1 and 3 more transcripts); c.64-2A>G (NM_001407098.1).
Identifiers: ClinVar variation 1778793 (VCV001778793.3), dbSNP rs2139756352, ClinGen allele CA390036026.

ClinVar aggregate classification (germline): Pathogenic (1 of 4 stars; one submission).

Conditions:
Hereditary cancer-predisposing syndrome. Also called: Neoplastic Syndromes, Hereditary; Tumor predisposition; Hereditary Cancer Syndrome; Hereditary neoplastic syndrome. Identifiers: Orphanet 140162, MedGen C0027672, MeSH D009386, MONDO:0015356.

Submissions (2):

Ambry Genetics
Classification: Pathogenic for Hereditary cancer-predisposing syndrome. Last evaluated: 2021-03-16. Review status: criteria provided, single submitter. Criteria: Ambry Variant Classification Scheme 2023. Collection method: clinical testing. Allele origin: germline.
Comment: The c.172-2A>G intronic variant results from an A to G substitution two nucleotides upstream from coding exon 4 in the MAX gene. This alteration occurs at the 3' terminus of the MAX gene, is not expected to trigger nonsense-mediated mRNA decay, and impacts the last 103 amino acids of the protein. The exact functional effect of this alteration is unknown; however, a significant portion of the protein is affected (Ambry internal data). In addition, another splicing alteration also affecting coding exon 4 in MAX (c.295+1G>A) has been identified in an individual with pheochromocytoma (Comino-M&eacute;ndez I et al. Nat. Genet. 2011 Jul; 43(7):663-7). This nucleotide position is highly conserved in available vertebrate species. In silico splice site analysis predicts that this alteration will weaken the native splice acceptor site and will result in the creation or strengthening of a novel splice acceptor site. Based on the supporting evidence, this alteration is interpreted as a disease-causing mutation.

Dr. Peter K. Rogan Lab, Western University
No classification provided (evidence only). Condition: Clear cell carcinoma of kidney. Review status: no classification provided. Collection method: in vitro. Allele origin: not applicable. Functional consequence: skipped exon. Not counted in ClinVar's aggregate classification.